The following is an entry in ClinVar:

NM_001458.5(FLNC):c.2147T>C (p.Ile716Thr)

Genes: FLNC (filamin C; plus strand), LOC129999273 (ATAC-STARR-seq lymphoblastoid silent region 18616; plus strand). Cytogenetic location: 7q32.1.
Variant type: single nucleotide variant.
Coding change: c.2147T>C on transcript NM_001458.5 (MANE Select); coding-DNA position 2147, T replaced by C.
Protein change: p.Ile716Thr; replaces isoleucine 716 with threonine.
Molecular consequence: missense variant.
Genome position (GRCh38, 1-based): chr7:128,842,256, T>C. VCF-style: chr7-128842256-T-C. GRCh37 (hg19) VCF-style: chr7-128482310-T-C.
Other names: c.2147T>C, p.Ile716Thr (NM_001127487.2); short protein forms I716T.
Identifiers: ClinVar variation 4812780 (VCV004812780.1).

ClinVar aggregate classification (germline): Uncertain significance (1 of 4 stars; one submission).

Conditions:
Hypertrophic cardiomyopathy 26. Also called: Cardiomyopathy, familial hypertrophic, 26. Identifiers: Orphanet 75249, MedGen C4310749, MONDO:0014883, OMIM 617047.
Myofibrillar myopathy 5. Also called: Filaminopathy (type); FILAMINOPATHY, AUTOSOMAL DOMINANT. Identifiers: Orphanet 171445, MedGen C1836050, MONDO:0012289, OMIM 609524.
Distal myopathy with posterior leg and anterior hand involvement. Also called: WILLIAMS DISTAL MYOPATHY. Identifiers: Orphanet 63273, MedGen C3279722, MONDO:0013550, OMIM 614065.

Submission:

Labcorp Genetics (formerly Invitae), Labcorp
Classification: Uncertain significance for Distal myopathy with posterior leg and anterior hand involvement; Myofibrillar myopathy 5; Hypertrophic cardiomyopathy 26. Last evaluated: 2025-09-10. Review status: criteria provided, single submitter. Criteria: Invitae Variant Classification Sherloc (09022015). Collection method: clinical testing. Allele origin: germline.
Comment: This sequence change replaces isoleucine, which is neutral and non-polar, with threonine, which is neutral and polar, at codon 716 of the FLNC protein (p.Ile716Thr). This variant is not present in population databases (gnomAD no frequency). This missense change has been observed in individual(s) with dilated cardiomyopathy (internal data). Invitae Evidence Modeling of protein sequence and biophysical properties (such as structural, functional, and spatial information, amino acid conservation, physicochemical variation, residue mobility, and thermodynamic stability) has been performed for this missense variant. However, the output from this modeling did not meet the statistical confidence thresholds required to predict the impact of this variant on FLNC protein function. In summary, the available evidence is currently insufficient to determine the role of this variant in disease. Therefore, it has been classified as a Variant of Uncertain Significance.